The following is an entry in ClinVar:

ClinVar aggregate classification (germline): Uncertain significance (1 of 4 stars; one submission).

Submission:

CeGaT Center for Human Genetics Tuebingen
Classification: Uncertain significance. Last evaluated: 2023-11-01. Review status: criteria provided, single submitter. Criteria: CeGaT Center For Human Genetics Tuebingen Variant Classification Criteria Version 2. Collection method: clinical testing. Allele origin: germline. Affected: yes. Observed: 1 variant allele.
Comment: FSHR: PM2, PVS1:Supporting

NM_000145.4(FSHR):c.3G>A (p.Met1Ile)

Gene: FSHR (follicle stimulating hormone receptor; minus strand). Cytogenetic location: 2p16.3.
Variant type: single nucleotide variant.
Coding change: c.3G>A on transcript NM_000145.4 (MANE Select); coding-DNA position 3, G replaced by A.
Protein change: p.Met1Ile; changes the start codon (methionine 1).
Molecular consequence: missense variant, initiator codon variant.
Genome position (GRCh38, 1-based): chr2:49,154,415, C>T on the plus strand (G>A on the coding strand, the complement: FSHR is on the minus strand). VCF-style: chr2-49154415-C-T. GRCh37 (hg19) VCF-style: chr2-49381554-C-T.
Other names: c.3G>A, p.Met1Ile (NM_181446.3); short protein forms M1I.
Identifiers: ClinVar variation 2672813 (VCV002672813.23), dbSNP rs2465680218, ClinGen allele CA346817869.